The following is an entry in ClinVar:

NM_024529.5(CDC73):c.1324G>A (p.Val442Ile)

Gene: CDC73 (cell division cycle 73; plus strand). Cytogenetic location: 1q31.2.
Variant type: single nucleotide variant.
Coding change: c.1324G>A on transcript NM_024529.5 (MANE Select); coding-DNA position 1324, G replaced by A.
Protein change: p.Val442Ile; replaces valine 442 with isoleucine.
Molecular consequence: missense variant.
Genome position (GRCh38, 1-based): chr1:193,236,263, G>A. VCF-style: chr1-193236263-G-A. GRCh37 (hg19) VCF-style: chr1-193205393-G-A.
Other names: short protein forms V442I.
Identifiers: ClinVar variation 875447 (VCV000875447.16), dbSNP rs1677756402, ClinGen allele CA344078105.

ClinVar aggregate classification (germline): Uncertain significance. Review status: criteria provided, multiple submitters, no conflicts (2 of 4 stars). 6 submissions from 4 submitters: Uncertain significance (6). Last evaluated 2025-08-20.

Conditions:
Hyperparathyroidism 2 with jaw tumors. Also called: Hyperparathyroidism 2; Hyperparathyroidism-Jaw Tumor Syndrome; HYPERPARATHYROIDISM, FAMILIAL PRIMARY, WITH MULTIPLE OSSIFYING JAW FIBROMAS; HYPERPARATHYROIDISM-JAW TUMOR SYNDROME, HEREDITARY. Identifiers: Orphanet 99880, MedGen C1704981, MONDO:0007768, OMIM 145001.
Hyperparathyroidism 1 (HRPT1). Also called: HYPERPARATHYROIDISM, FAMILIAL ISOLATED PRIMARY. Identifiers: Orphanet 99879, MedGen C1840402, MONDO:0007767, OMIM 145000.
Parathyroid carcinoma (PRTC). Also called: Parathyroid gland carcinoma; CDC73-Related Parathyroid Carcinoma. Identifiers: Orphanet 143, MedGen C0687150, MONDO:0012004, OMIM 608266, HP:0006780.
Hereditary cancer-predisposing syndrome. Also called: Neoplastic Syndromes, Hereditary; Hereditary neoplastic syndrome; Hereditary Cancer Syndrome; Tumor predisposition. Identifiers: Orphanet 140162, MedGen C0027672, MeSH D009386, MONDO:0015356.

Allele frequency attached by ClinVar (database versions not stated): gnomAD exomes below 0.00001; TOPMed below 0.00001.
gnomAD v4.1: 4 of 1,612,952 alleles (0.00025%); highest among the groups gnomAD compares: Non-Finnish European, 0.00034%; no homozygotes.

Submissions (6):

Labcorp Genetics (formerly Invitae), Labcorp
Classification: Uncertain significance for Parathyroid carcinoma. Last evaluated: 2025-08-20. Review status: criteria provided, single submitter. Criteria: Invitae Variant Classification Sherloc (09022015). Collection method: clinical testing. Allele origin: germline.
Comment: This sequence change replaces valine, which is neutral and non-polar, with isoleucine, which is neutral and non-polar, at codon 442 of the CDC73 protein (p.Val442Ile). This variant is not present in population databases (gnomAD no frequency). This variant has not been reported in the literature in individuals affected with CDC73-related conditions. ClinVar contains an entry for this variant (Variation ID: 875447). Invitae Evidence Modeling of protein sequence and biophysical properties (such as structural, functional, and spatial information, amino acid conservation, physicochemical variation, residue mobility, and thermodynamic stability) indicates that this missense variant is not expected to disrupt CDC73 protein function with a negative predictive value of 80%. In summary, the available evidence is currently insufficient to determine the role of this variant in disease. Therefore, it has been classified as a Variant of Uncertain Significance.

Ambry Genetics
Classification: Uncertain significance for Hereditary cancer-predisposing syndrome. Last evaluated: 2024-09-08. Review status: criteria provided, single submitter. Criteria: Ambry Variant Classification Scheme 2023. Collection method: clinical testing. Allele origin: germline.
Comment: The p.V442I variant (also known as c.1324G>A), located in coding exon 15 of the CDC73 gene, results from a G to A substitution at nucleotide position 1324. The valine at codon 442 is replaced by isoleucine, an amino acid with highly similar properties. This amino acid position is highly conserved in available vertebrate species. In addition, the in silico prediction for this alteration is inconclusive. Since supporting evidence is limited at this time, the clinical significance of this alteration remains unclear.

Fulgent Genetics
Classification: Uncertain significance for Hyperparathyroidism 1; Hyperparathyroidism 2 with jaw tumors; Parathyroid carcinoma. Last evaluated: 2024-05-29. Review status: criteria provided, single submitter. Criteria: ACMG Guidelines, 2015. Collection method: clinical testing. Allele origin: germline.

Illumina Laboratory Services, Illumina
Classification: Uncertain significance for Hyperparathyroidism 2 with jaw tumors. Last evaluated: 2018-01-13. Review status: criteria provided, single submitter. Criteria: ICSL Variant Classification Criteria 13 December 2019. Collection method: clinical testing. Allele origin: germline.

Illumina Laboratory Services, Illumina
Classification: Uncertain significance for Parathyroid carcinoma. Last evaluated: 2018-01-13. Review status: criteria provided, single submitter. Criteria: ICSL Variant Classification Criteria 13 December 2019. Collection method: clinical testing. Allele origin: germline.

Illumina Laboratory Services, Illumina
Classification: Uncertain significance for Hyperparathyroidism 1. Last evaluated: 2018-01-13. Review status: criteria provided, single submitter. Criteria: ICSL Variant Classification Criteria 13 December 2019. Collection method: clinical testing. Allele origin: germline.